The following is an entry in ClinVar:

NM_001040142.2(SCN2A):c.8A>G (p.Gln3Arg)

Gene: SCN2A (sodium voltage-gated channel alpha subunit 2; plus strand). Cytogenetic location: 2q24.3.
Variant type: single nucleotide variant.
Coding change: c.8A>G on transcript NM_001040142.2 (MANE Select); coding-DNA position 8, A replaced by G.
Protein change: p.Gln3Arg; replaces glutamine 3 with arginine.
Molecular consequence: missense variant.
Genome position (GRCh38, 1-based): chr2:165,295,831, A>G. VCF-style: chr2-165295831-A-G. GRCh37 (hg19) VCF-style: chr2-166152341-A-G.
Other names: c.8A>G, p.Gln3Arg (NM_001040143.2, NM_001371246.1, NM_001371247.1 and 1 more transcripts); short protein forms Q3R.
Identifiers: ClinVar variation 2922489 (VCV002922489.3), dbSNP rs1181276453, ClinGen allele CA349009637.
Genomic context (GRCh38, chr2:165,295,831, plus strand): 5'-AGCACTTTCTTATGCAAGGAGCTAAACAGTGATTAAAGGAGCAGGATGAAAAGATGGCAC[A>G]GTCAGTGCTGGTACCGCCAGGACCTGACAGCTTCCGCTTCTTTACCAGGGAATCCCTTGC-3'
Protein context (NP_001035232.1, residues 1-13): MA[Gln3Arg]SVLVPPGPDS

ClinVar aggregate classification (germline): Uncertain significance (1 of 4 stars; one submission).

Conditions:
Developmental and epileptic encephalopathy, 11 (DEE11). Also called: Early infantile epileptic encephalopathy 11. Identifiers: Orphanet 1934, MedGen C3150987, MONDO:0013388, OMIM 613721.
Seizures, benign familial infantile, 3 (BFIS3). Also called: Familial neonatal seizures; CONVULSIONS, BENIGN FAMILIAL INFANTILE, 3. Identifiers: Orphanet 140927, Orphanet 306, MedGen C1843140, MONDO:0011904, OMIM 607745.

Allele frequency attached by ClinVar (database versions not stated): gnomAD exomes below 0.00001; TOPMed below 0.00001; gnomAD 0.00001.
gnomAD v4.1: 2 of 1,614,028 alleles (0.00012%); highest among the groups gnomAD compares: African/African-American, 0.0027%; no homozygotes.

Submission:

Labcorp Genetics (formerly Invitae), Labcorp
Classification: Uncertain significance for Seizures, benign familial infantile, 3; Developmental and epileptic encephalopathy, 11. Last evaluated: 2023-07-19. Review status: criteria provided, single submitter. Criteria: Invitae Variant Classification Sherloc (09022015). Collection method: clinical testing. Allele origin: germline.
Comment: This sequence change replaces glutamine, which is neutral and polar, with arginine, which is basic and polar, at codon 3 of the SCN2A protein (p.Gln3Arg). This variant is not present in population databases (gnomAD no frequency). This variant has not been reported in the literature in individuals affected with SCN2A-related conditions. Advanced modeling of protein sequence and biophysical properties (such as structural, functional, and spatial information, amino acid conservation, physicochemical variation, residue mobility, and thermodynamic stability) has been performed at Invitae for this missense variant, however the output from this modeling did not meet the statistical confidence thresholds required to predict the impact of this variant on SCN2A protein function. In summary, the available evidence is currently insufficient to determine the role of this variant in disease. Therefore, it has been classified as a Variant of Uncertain Significance.